The following is an entry in ClinVar:

NM_006231.4(POLE):c.3059A>G (p.Lys1020Arg)

Gene: POLE (DNA polymerase epsilon, catalytic subunit; minus strand). Cytogenetic location: 12q24.33.
Variant type: single nucleotide variant.
Coding change: c.3059A>G on transcript NM_006231.4 (MANE Select); coding-DNA position 3059, A replaced by G.
Protein change: p.Lys1020Arg; replaces lysine 1020 with arginine.
Molecular consequence: missense variant.
Genome position (GRCh38, 1-based): chr12:132,660,970, T>C on the plus strand (A>G on the coding strand, the complement: POLE is on the minus strand). VCF-style: chr12-132660970-T-C. GRCh37 (hg19) VCF-style: chr12-133237556-T-C.
Other names: c.3059A>G (NM_006231.2); short protein forms K1020R.
Identifiers: ClinVar variation 1347610 (VCV001347610.10), dbSNP rs2138688434, ClinGen allele CA387392134.

ClinVar aggregate classification (germline): Uncertain significance. Review status: criteria provided, multiple submitters, no conflicts (2 of 4 stars). 2 submissions from 2 submitters: Uncertain significance (2). Last evaluated 2024-11-17.

Conditions:
Hereditary cancer-predisposing syndrome. Also called: Hereditary neoplastic syndrome; Tumor predisposition; Neoplastic Syndromes, Hereditary; Hereditary Cancer Syndrome. Identifiers: Orphanet 140162, MedGen C0027672, MeSH D009386, MONDO:0015356.

Allele frequency attached by ClinVar (database versions not stated): gnomAD exomes below 0.00001.
gnomAD v4.1: 3 of 1,606,540 alleles (0.00019%); highest among the groups gnomAD compares: Non-Finnish European, 0.00026%; no homozygotes.

Submissions (3):

Ambry Genetics
Classification: Uncertain significance for Hereditary cancer-predisposing syndrome. Last evaluated: 2024-11-17. Review status: criteria provided, single submitter. Criteria: Ambry Variant Classification Scheme 2023. Collection method: clinical testing. Allele origin: germline.
Comment: The p.K1020R variant (also known as c.3059A>G), located in coding exon 25 of the POLE gene, results from an A to G substitution at nucleotide position 3059. The lysine at codon 1020 is replaced by arginine, an amino acid with highly similar properties. This amino acid position is conserved. In addition, this alteration is predicted to be tolerated by in silico analysis. Based on the available evidence, the clinical significance of this variant remains unclear.

Labcorp Genetics (formerly Invitae), Labcorp
Classification: Uncertain significance. Last evaluated: 2024-01-24. Review status: criteria provided, single submitter. Criteria: Invitae Variant Classification Sherloc (09022015). Collection method: clinical testing. Allele origin: germline.
Comment: This sequence change replaces lysine, which is basic and polar, with arginine, which is basic and polar, at codon 1020 of the POLE protein (p.Lys1020Arg). This variant is not present in population databases (gnomAD no frequency). This variant has not been reported in the literature in individuals affected with POLE-related conditions. ClinVar contains an entry for this variant (Variation ID: 1347610). Algorithms developed to predict the effect of missense changes on protein structure and function output the following: SIFT: "Not Available"; PolyPhen-2: "Benign"; Align-GVGD: "Not Available". The arginine amino acid residue is found in multiple mammalian species, which suggests that this missense change does not adversely affect protein function. Algorithms developed to predict the effect of sequence changes on RNA splicing suggest that this variant may disrupt the consensus splice site. In summary, the available evidence is currently insufficient to determine the role of this variant in disease. Therefore, it has been classified as a Variant of Uncertain Significance.

Dr. Peter K. Rogan Lab, Western University
No classification provided (evidence only). Condition: Malignant lymphoma, large B-cell, diffuse. Review status: no classification provided. Collection method: in vitro. Allele origin: not applicable. Functional consequence: retained intron. Not counted in ClinVar's aggregate classification.